The following is an entry in ClinVar:

ClinVar aggregate classification (germline): Uncertain significance. Review status: criteria provided, multiple submitters, no conflicts (2 of 4 stars). 4 submissions from 4 submitters: Uncertain significance (4). Last evaluated 2026-07-29.

Conditions:
Breast-ovarian cancer, familial, susceptibility to, 5 (BROVCA5). Identifiers: MedGen C5830615, MONDO:0957530, OMIM 620442.
Hereditary cancer-predisposing syndrome. Also called: Neoplastic Syndromes, Hereditary; Hereditary neoplastic syndrome; Hereditary Cancer Syndrome; Tumor predisposition. Identifiers: Orphanet 140162, MedGen C0027672, MeSH D009386, MONDO:0015356.
Familial cancer of breast. Also called: hereditary breast carcinoma; Hereditary breast cancer; BREAST CANCER, FAMILIAL. Identifiers: Orphanet 227535, MedGen C0346153, MONDO:0016419, OMIM 114480. Disease mechanism: loss of function.

gnomAD v4.1: 3 of 1,613,834 alleles (0.00019%); highest among the groups gnomAD compares: Admixed American, 0.0033%; no homozygotes.

Submissions (4):

Ambry Genetics
Classification: Uncertain significance for Hereditary cancer-predisposing syndrome. Last evaluated: 2026-07-29. Review status: criteria provided, single submitter. Criteria: Ambry Variant Classification Scheme 2023. Collection method: clinical testing. Allele origin: germline.

Dasa
Classification: Uncertain significance for Breast-ovarian cancer, familial, susceptibility to, 5. Last evaluated: 2025-08-25. Review status: criteria provided, single submitter. Criteria: DASA Assertion Criteria. Collection method: clinical testing. Allele origin: germline.
Comment: NM_024675.4(PALB2):c.1726A>T (p.Ser576Cys) is a missense variant that results in the substitution of serine with cysteine. This variant is rare in population databases. The currently available literature and clinical evidence are not sufficient to establish a definitive association between this variant and the reported condition. Therefore, this variant is classified as a variant of uncertain significance.

Labcorp Genetics (formerly Invitae), Labcorp
Classification: Uncertain significance for Familial cancer of breast. Last evaluated: 2024-08-07. Review status: criteria provided, single submitter. Criteria: Invitae Variant Classification Sherloc (09022015). Collection method: clinical testing. Allele origin: germline.
Comment: This sequence change replaces serine, which is neutral and polar, with cysteine, which is neutral and slightly polar, at codon 576 of the PALB2 protein (p.Ser576Cys). This variant is not present in population databases (gnomAD no frequency). This variant has not been reported in the literature in individuals affected with PALB2-related conditions. ClinVar contains an entry for this variant (Variation ID: 481141). Advanced modeling of protein sequence and biophysical properties (such as structural, functional, and spatial information, amino acid conservation, physicochemical variation, residue mobility, and thermodynamic stability) performed at Invitae indicates that this missense variant is not expected to disrupt PALB2 protein function with a negative predictive value of 80%. In summary, the available evidence is currently insufficient to determine the role of this variant in disease. Therefore, it has been classified as a Variant of Uncertain Significance.

Color Diagnostics, LLC DBA Color Health
Classification: Uncertain significance for Hereditary cancer-predisposing syndrome. Last evaluated: 2023-08-30. Review status: criteria provided, single submitter. Criteria: ACMG Guidelines, 2015. Collection method: clinical testing. Allele origin: germline.
Comment: This missense variant replaces serine with cysteine at codon 576 of the PALB2 protein. Computational prediction suggests that this variant may not impact protein structure and function (internally defined REVEL score threshold <= 0.5, PMID: 27666373). To our knowledge, functional studies have not been reported for this variant. This variant has not been reported in individuals affected with PALB2-related disorders in the literature. This variant has not been identified in the general population by the Genome Aggregation Database (gnomAD). The available evidence is insufficient to determine the role of this variant in disease conclusively. Therefore, this variant is classified as a Variant of Uncertain Significance.

NM_024675.4(PALB2):c.1726A>T (p.Ser576Cys)

Gene: PALB2 (partner and localizer of BRCA2; minus strand). Cytogenetic location: 16p12.2.
Variant type: single nucleotide variant.
Coding change: c.1726A>T on transcript NM_024675.4 (MANE Select); coding-DNA position 1726, A replaced by T.
Protein change: p.Ser576Cys; replaces serine 576 with cysteine.
Molecular consequence: missense variant.
Genome position (GRCh38, 1-based): chr16:23,630,428, T>A on the plus strand (A>T on the coding strand, the complement: PALB2 is on the minus strand). VCF-style: chr16-23630428-T-A. GRCh37 (hg19) VCF-style: chr16-23641749-T-A.
Other names: short protein forms S576C.
Identifiers: ClinVar variation 481141 (VCV000481141.19), dbSNP rs1555460681, ClinGen allele CA395128354.